The following is an entry in ClinVar:

ClinVar aggregate classification (germline): Pathogenic. Review status: criteria provided, multiple submitters, no conflicts (2 of 4 stars). 2 submissions from 2 submitters: Pathogenic (2). Last evaluated 2023-05-15.

Conditions:
Niemann-Pick disease, type C1. Also called: NIEMANN-PICK DISEASE, VARIANT TYPE C1; NEUROVISCERAL STORAGE DISEASE WITH VERTICAL SUPRANUCLEAR OPHTHALMOPLEGIA; NIEMANN-PICK DISEASE WITH CHOLESTEROL ESTERIFICATION BLOCK; NIEMANN-PICK DISEASE WITHOUT SPHINGOMYELINASE DEFICIENCY; NIEMANN-PICK DISEASE, CHRONIC NEURONOPATHIC FORM. Identifiers: Orphanet 646, MedGen C3179455, MONDO:0009757, OMIM 257220.

Allele frequency attached by ClinVar (database versions not stated): gnomAD exomes below 0.00001 and 0.00001; ExAC 0.00001.
gnomAD v4.1: 3 of 1,614,140 alleles (0.00019%); highest among the groups gnomAD compares: South Asian, 0.0033%; no homozygotes.

Submissions (2):

Labcorp Genetics (formerly Invitae), Labcorp
Classification: Pathogenic for Niemann-Pick disease, type C1. Last evaluated: 2023-05-15. Review status: criteria provided, single submitter. Criteria: Invitae Variant Classification Sherloc (09022015). Collection method: clinical testing. Allele origin: germline.
Comment: This variant is present in population databases (rs764789542, gnomAD 0.003%). This sequence change replaces proline, which is neutral and non-polar, with leucine, which is neutral and non-polar, at codon 1007 of the NPC1 protein (p.Pro1007Leu). This missense change has been observed in individuals with Niemann-Pick type C (PMID: 26666848). ClinVar contains an entry for this variant (Variation ID: 973559). For these reasons, this variant has been classified as Pathogenic. This variant disrupts the p.Pro1007 amino acid residue in NPC1. Other variant(s) that disrupt this residue have been determined to be pathogenic (PMID: 10521290, 11754101, 14639697, 15937921, 23183285, 25425405). This suggests that this residue is clinically significant, and that variants that disrupt this residue are likely to be disease-causing. Advanced modeling of protein sequence and biophysical properties (such as structural, functional, and spatial information, amino acid conservation, physicochemical variation, residue mobility, and thermodynamic stability) performed at Invitae indicates that this missense variant is expected to disrupt NPC1 protein function.

CENTOGENE GmbH and LLC - Guiding Precision Medicine
Classification: Pathogenic for Niemann-Pick disease type C1. Review status: criteria provided, single submitter. Criteria: ACMG Guidelines, 2015. Collection method: clinical testing. Allele origin: germline. Affected: yes.

Literature cited by the submitters: PubMed 26666848 (cited by Labcorp Genetics (formerly Invitae), Labcorp); PubMed 10521290 (cited by Labcorp Genetics (formerly Invitae), Labcorp); PubMed 11754101 (cited by Labcorp Genetics (formerly Invitae), Labcorp); PubMed 14639697 (cited by Labcorp Genetics (formerly Invitae), Labcorp); PubMed 15937921 (cited by Labcorp Genetics (formerly Invitae), Labcorp); PubMed 23183285 (cited by Labcorp Genetics (formerly Invitae), Labcorp); PubMed 25425405 (cited by Labcorp Genetics (formerly Invitae), Labcorp).

NM_000271.5(NPC1):c.3020C>T (p.Pro1007Leu)

Gene: NPC1 (NPC intracellular cholesterol transporter 1; minus strand). Cytogenetic location: 18q11.2.
Variant type: single nucleotide variant.
Coding change: c.3020C>T on transcript NM_000271.5 (MANE Select); coding-DNA position 3020, C replaced by T.
Protein change: p.Pro1007Leu; replaces proline 1007 with leucine.
Molecular consequence: missense variant.
Genome position (GRCh38, 1-based): chr18:23,538,563, G>A on the plus strand (C>T on the coding strand, the complement: NPC1 is on the minus strand). VCF-style: chr18-23538563-G-A. GRCh37 (hg19) VCF-style: chr18-21118527-G-A.
Other names: short protein forms P1007L.
Identifiers: ClinVar variation 973559 (VCV000973559.6), dbSNP rs764789542, ClinGen allele CA8912895.
Genomic context (GRCh38, chr18:23,538,563, plus strand): 5'-TTGCAGTGGATGCTTATCTGCAATGGCAGCAGCACTTACCCTTTGCCACACTTGGGGTTA[G>A]GGTTATCCGAAAGGAACATGGGCAGGAATCTCATGAAGTCTCCCCCCTGAGGCCTCTGTT-3'
Protein context (NP_000262.2, residues 997-1017): RFLPMFLSDN[Pro1007Leu]NPKCGKGGHA